The following is an entry in ClinVar:

ClinVar aggregate classification (germline): Uncertain significance (1 of 4 stars; one submission).

gnomAD v4.1: 1 of 1,612,988 alleles (0.000062%); highest among the groups gnomAD compares: Non-Finnish European, 0.000085%; no homozygotes.

Submission:

Labcorp Genetics (formerly Invitae), Labcorp
Classification: Uncertain significance. Last evaluated: 2022-07-19. Review status: criteria provided, single submitter. Criteria: Invitae Variant Classification Sherloc (09022015). Collection method: clinical testing. Allele origin: germline.
Comment: This sequence change replaces valine, which is neutral and non-polar, with leucine, which is neutral and non-polar, at codon 397 of the COQ8A protein (p.Val397Leu). This variant is not present in population databases (gnomAD no frequency). This variant has not been reported in the literature in individuals affected with COQ8A-related conditions. Advanced modeling of protein sequence and biophysical properties (such as structural, functional, and spatial information, amino acid conservation, physicochemical variation, residue mobility, and thermodynamic stability) performed at Invitae indicates that this missense variant is expected to disrupt COQ8A protein function. In summary, the available evidence is currently insufficient to determine the role of this variant in disease. Therefore, it has been classified as a Variant of Uncertain Significance.

NM_020247.5(COQ8A):c.1189G>T (p.Val397Leu)

Gene: COQ8A (coenzyme Q8A; plus strand). Cytogenetic location: 1q42.13.
Variant type: single nucleotide variant.
Coding change: c.1189G>T on transcript NM_020247.5 (MANE Select); coding-DNA position 1189, G replaced by T.
Protein change: p.Val397Leu; replaces valine 397 with leucine.
Molecular consequence: missense variant.
Genome position (GRCh38, 1-based): chr1:226,983,787, G>T. VCF-style: chr1-226983787-G-T. GRCh37 (hg19) VCF-style: chr1-227171488-G-T.
Other names: short protein forms V397L.
Identifiers: ClinVar variation 1719754 (VCV001719754.3), dbSNP rs777934964, ClinGen allele CA345054148.